The following is an entry in ClinVar:

NM_017460.6(CYP3A4):c.1088C>T (p.Thr363Met)

Gene: CYP3A4 (cytochrome P450 family 3 subfamily A member 4; minus strand). Cytogenetic location: 7q22.1.
Variant type: single nucleotide variant.
Coding change: c.1088C>T on transcript NM_017460.6 (MANE Select); coding-DNA position 1088, C replaced by T.
Protein change: p.Thr363Met; replaces threonine 363 with methionine.
Molecular consequence: missense variant.
Genome position (GRCh38, 1-based): chr7:99,762,206, G>A on the plus strand (C>T on the coding strand, the complement: CYP3A4 is on the minus strand). VCF-style: chr7-99762206-G-A. GRCh37 (hg19) VCF-style: chr7-99359829-G-A.
Other names: c.1085C>T, p.Thr362Met (NM_001202855.3); short protein forms T362M, T363M.
Identifiers: ClinVar variation 670902 (VCV000670902.1), dbSNP rs67784355, ClinGen allele CA4369562.
Genomic context (GRCh38, chr7:99,762,206, plus strand): 5'-ATCTCAACATCTTTTTTGCAGACCCTCTCAAGTCTCATAGCAATTGGGAATAATCTGAGC[G>A]TTTCATTCACCACCATGTCAAGATACTCCATCTGTAGCACAGTATCATAGGTGGGTGGTG-3'
Protein context (NP_059488.2, residues 353-373): MEYLDMVVNE[Thr363Met]LRLFPIAMRL

ClinVar aggregate classification (germline): Likely benign (1 of 4 stars; one submission).

Allele frequency attached by ClinVar (database versions not stated): TOPMed 0.00019; 1000 Genomes Project 0.00040; ESP Exome Variant Server 0.00046; 1000 Genomes Project 30x 0.00047.
gnomAD v4.1: 393 of 1,614,032 alleles (0.024%); highest among the groups gnomAD compares: Middle Eastern, 0.066%; no homozygotes.

Submission:

GeneDx
Classification: Likely benign. Last evaluated: 2018-04-19. Review status: criteria provided, single submitter. Criteria: GeneDx Variant Classification (06012015). Collection method: clinical testing. Allele origin: germline. Affected: yes.
Comment: This variant is considered likely benign or benign based on one or more of the following criteria: it is a conservative change, it occurs at a poorly conserved position in the protein, it is predicted to be benign by multiple in silico algorithms, and/or has population frequency not consistent with disease.